The following is an entry in ClinVar:

ClinVar aggregate classification (germline): Pathogenic (1 of 4 stars; one submission).

Conditions:
Fabry disease. Also called: ALPHA-GALACTOSIDASE A DEFICIENCY; ANDERSON-FABRY DISEASE; CERAMIDE TRIHEXOSIDASE DEFICIENCY; GLA DEFICIENCY; HEREDITARY DYSTOPIC LIPIDOSIS; Angiokeratoma corporis diffusum. Identifiers: Orphanet 324, MedGen C0002986, MONDO:0010526, OMIM 301500, HP:0001071. Disease mechanism: Fabry disease is due to inactivating mutations in the X-linked GLA gene resulting in deficiency of the enzyme Alpha Galactosidase-A., loss of function.

Submission:

Genomenon, Inc
Classification: Pathogenic for Fabry disease. Last evaluated: 2026-09-08. Review status: criteria provided, single submitter. Criteria: Genomenon Sequence Variant Interpretation Standards - Updated. Collection method: curation. Allele origin: germline. Affected: yes.
Comment: GLA p.Ile133PhefsTer32 (c.396del) is a frameshift variant that is predicted to introduce a premature termination codon and result in a truncated or absent protein product. This variant has been observed in at least one proband with clinical features consistent with Fabry disease (PMID:37940383;36745055). It is absent or not present at a significant frequency in gnomAD. In conclusion, we classify GLA p.Ile133PhefsTer32 (c.396del) as a pathogenic variant.

Literature cited by the submitters: PubMed 37940383; PubMed 36745055.

NM_000169.3(GLA):c.396del (p.Ile133fs)

Genes: GLA (galactosidase alpha; minus strand), RPL36A-HNRNPH2 (RPL36A-HNRNPH2 readthrough; plus strand). Cytogenetic location: Xq22.1.
Variant type: Deletion.
Coding change: c.396del on transcript NM_000169.3 (MANE Select); coding-DNA position 396, one base deleted (G; older notation c.396delG).
Protein change: p.Ile133fs; shifts the reading frame from isoleucine 133.
Molecular consequence: frameshift variant. On other transcripts: non-coding transcript variant (3), intron variant (2).
Genome position (GRCh38, 1-based): chrX:101,401,783, C deleted on the plus strand (G on the coding strand, the reverse complement: GLA is on the minus strand); the first of 3 consecutive C bases (chrX:101,401,783-101,401,785); deleting any one gives the same sequence. VCF-style (leftmost placement, unchanged base first): chrX-101401782-TC-T. GRCh37 (hg19) VCF-style: chrX-100656770-TC-T.
Other names: c.519del, p.Ile174fs (NM_001406747.1, NM_001406749.1); c.396del, p.Ile133fs (NM_001406748.1); c.300+6328del (NM_001199973.2); c.177+9963del (NM_001199974.2); short protein forms I133fs, I174fs.
Identifiers: ClinVar variation 4086954 (VCV004086954.2).